The following is an entry in ClinVar:

NM_054027.6(ANKH):c.1036C>A (p.Pro346Thr)

Gene: ANKH (ANKH inorganic pyrophosphate transport regulator; minus strand). Cytogenetic location: 5p15.2.
Variant type: single nucleotide variant.
Coding change: c.1036C>A on transcript NM_054027.6 (MANE Select); coding-DNA position 1036, C replaced by A.
Protein change: p.Pro346Thr; replaces proline 346 with threonine.
Molecular consequence: missense variant.
Genome position (GRCh38, 1-based): chr5:14,716,811, G>T on the plus strand (C>A on the coding strand, the complement: ANKH is on the minus strand). VCF-style: chr5-14716811-G-T. GRCh37 (hg19) VCF-style: chr5-14716920-G-T.
Other names: short protein forms P346T.
Identifiers: ClinVar variation 3572731 (VCV003572731.1).

ClinVar aggregate classification (germline): Uncertain significance (1 of 4 stars; one submission).

gnomAD v4.1: 2 of 1,614,088 alleles (0.00012%); highest among the groups gnomAD compares: South Asian, 0.0011%; no homozygotes.

Submission:

GeneDx
Classification: Uncertain significance. Last evaluated: 2024-07-11. Review status: criteria provided, single submitter. Criteria: GeneDx Variant Classification Process June 2021. Collection method: clinical testing. Allele origin: germline. Affected: yes.
Comment: Not observed at significant frequency in large population cohorts (gnomAD); In silico analysis supports that this missense variant has a deleterious effect on protein structure/function; Has not been previously published as pathogenic or benign to our knowledge